The following is an entry in ClinVar:

ClinVar aggregate classification (germline): Benign/Likely benign. Review status: criteria provided, multiple submitters, no conflicts (2 of 4 stars). 4 submissions from 4 submitters: Benign (1); Likely benign (2). 1 of the submissions does not count toward it. Last evaluated 2026-09-23.

Conditions:
Neurofibromatosis, type 1 (NF1). Also called: NEUROFIBROMATOSIS, TYPE I, SOMATIC; Peripheral type neurofibromatosis; VON RECKLINGHAUSEN DISEASE; Neurofibromatosis, type I. Identifiers: Orphanet 636, MedGen C0027831, MONDO:0018975, OMIM 162200. Disease mechanism: loss of function.
NF1-related disorder. Also called: NF1-related condition. Identifiers: MedGen CN379171.
Cardiovascular phenotype. Identifiers: MedGen CN230736.
Hereditary cancer-predisposing syndrome. Also called: Tumor predisposition; Neoplastic Syndromes, Hereditary; Hereditary Cancer Syndrome; Hereditary neoplastic syndrome. Identifiers: Orphanet 140162, MedGen C0027672, MeSH D009386, MONDO:0015356.

Allele frequency attached by ClinVar (database versions not stated): gnomAD 0.00001 and 0.00002; gnomAD exomes below 0.00001; TOPMed 0.00002.
gnomAD v4.1: 3 of 1,609,058 alleles (0.00019%); highest among the groups gnomAD compares: African/African-American, 0.004%; no homozygotes.

Submissions (4):

Myriad Genetics, Inc.
Classification: Benign for Neurofibromatosis, type 1. Last evaluated: 2026-09-23. Review status: criteria provided, single submitter. Criteria: Myriad Autosomal Dominant, Autosomal Recessive and X-Linked Classification Criteria (2023). Collection method: clinical testing. Allele origin: unknown.
Comment: This variant is considered benign. This variant is a silent/synonymous amino acid change and it is not expected to impact splicing.

Labcorp Genetics (formerly Invitae), Labcorp
Classification: Likely benign for Neurofibromatosis, type 1. Last evaluated: 2025-08-18. Review status: criteria provided, single submitter. Criteria: Invitae Variant Classification Sherloc (09022015). Collection method: clinical testing. Allele origin: germline.

Ambry Genetics
Classification: Likely benign for Cardiovascular phenotype; Hereditary cancer-predisposing syndrome. Last evaluated: 2020-01-16. Review status: criteria provided, single submitter. Criteria: Ambry Variant Classification Scheme 2023. Collection method: clinical testing. Allele origin: germline.

PreventionGenetics, part of Exact Sciences
Classification: Likely benign for NF1-related condition. Last evaluated: 2021-12-10. Review status: no assertion criteria provided. Collection method: clinical testing. Allele origin: germline. Not counted in ClinVar's aggregate classification.
Comment: This variant is classified as likely benign based on ACMG/AMP sequence variant interpretation guidelines (Richards et al. 2015 PMID: 25741868, with internal and published modifications).

NM_001042492.3(NF1):c.264T>C (p.Asp88=)

Gene: NF1 (neurofibromin 1; plus strand). Cytogenetic location: 17q11.2.
Variant type: single nucleotide variant.
Coding change: c.264T>C on transcript NM_001042492.3 (MANE Select); coding-DNA position 264, T replaced by C.
Protein change: p.Asp88=; no amino-acid change (aspartic acid 88 retained).
Molecular consequence: synonymous variant.
Genome position (GRCh38, 1-based): chr17:31,159,069, T>C. VCF-style: chr17-31159069-T-C. GRCh37 (hg19) VCF-style: chr17-29486087-T-C.
Other names: c.264T>C, p.Asp88= (NM_000267.4, NM_001128147.3).
Identifiers: ClinVar variation 527623 (VCV000527623.13), dbSNP rs1359209770, ClinGen allele CA499232876.